The following is an entry in ClinVar:

ClinVar aggregate classification (germline): Uncertain significance (1 of 4 stars; one submission).

Conditions:
Alpha thalassemia-X-linked intellectual disability syndrome (ATRX). Also called: X-linked alpha-thalassemia-mental retardation syndrome; ALPHA-THALASSEMIA/IMPAIRED INTELLECTUAL DEVELOPMENT SYNDROME, X-LINKED; ALPHA-THALASSEMIA/MENTAL RETARDATION SYNDROME, X-LINKED; ATR, NONDELETION TYPE; ATR-X syndrome; Alpha thalassemia mental retardation syndrome, nondeletion type, X-linked. Identifiers: Orphanet 847, MedGen C1845055, MONDO:0010519, OMIM 301040.

Submission:

Labcorp Genetics (formerly Invitae), Labcorp
Classification: Uncertain significance for Alpha thalassemia-X-linked intellectual disability syndrome. Last evaluated: 2024-02-16. Review status: criteria provided, single submitter. Criteria: Invitae Variant Classification Sherloc (09022015). Collection method: clinical testing. Allele origin: germline.
Comment: This sequence change replaces asparagine, which is neutral and polar, with histidine, which is basic and polar, at codon 1145 of the ATRX protein (p.Asn1145His). This variant is not present in population databases (gnomAD no frequency). This variant has not been reported in the literature in individuals affected with ATRX-related conditions. ClinVar contains an entry for this variant (Variation ID: 1511846). Advanced modeling of protein sequence and biophysical properties (such as structural, functional, and spatial information, amino acid conservation, physicochemical variation, residue mobility, and thermodynamic stability) performed at Invitae indicates that this missense variant is not expected to disrupt ATRX protein function with a negative predictive value of 95%. In summary, the available evidence is currently insufficient to determine the role of this variant in disease. Therefore, it has been classified as a Variant of Uncertain Significance.

NM_000489.6(ATRX):c.3433A>C (p.Asn1145His)

Gene: ATRX (ATRX chromatin remodeler; minus strand). Cytogenetic location: Xq21.1.
Variant type: single nucleotide variant.
Coding change: c.3433A>C on transcript NM_000489.6 (MANE Select); coding-DNA position 3433, A replaced by C.
Protein change: p.Asn1145His; replaces asparagine 1145 with histidine.
Molecular consequence: missense variant.
Genome position (GRCh38, 1-based): chrX:77,681,823, T>G on the plus strand (A>C on the coding strand, the complement: ATRX is on the minus strand). VCF-style: chrX-77681823-T-G. GRCh37 (hg19) VCF-style: chrX-76937315-T-G.
Other names: c.3319A>C, p.Asn1107His (NM_138270.5); short protein forms N1145H, N1107H.
Identifiers: ClinVar variation 1511846 (VCV001511846.8), dbSNP rs2148573453, ClinGen allele CA413706509.
Genomic context (GRCh38, chrX:77,681,823, plus strand): 5'-TATCTTCAGAACTTTCCTCAGCATCAGATGATGATGAGCCACTTTGTATTTCCTTAGTAT[T>G]TCTCTTTGAACTTAAATTTCTTCTTTCCCTCAATTCTATTCTTTTCAGTCTCTTATCAGA-3'
Protein context (NP_000480.3, residues 1135-1155): RERRNLSSKR[Asn1145His]TKEIQSGSSS